The following is an entry in ClinVar:

ClinVar aggregate classification (germline): Pathogenic. Review status: reviewed by expert panel (3 of 4 stars). 9 submissions from 9 submitters: Pathogenic (1). 8 of the submissions do not count toward it. Last evaluated 2016-09-08.

Conditions:
BRCA2-related disorder. Also called: BRCA2-related condition; BRCA2-related disorders. Identifiers: MedGen CN239275.
Hereditary cancer-predisposing syndrome. Also called: Tumor predisposition; Neoplastic Syndromes, Hereditary; Hereditary neoplastic syndrome; Hereditary Cancer Syndrome. Identifiers: Orphanet 140162, MedGen C0027672, MeSH D009386, MONDO:0015356.
Hereditary breast ovarian cancer syndrome. Also called: Hereditary breast and ovarian cancer; BRCA1- and BRCA2-Associated Hereditary Breast and Ovarian Cancer; Hereditary breast and/or ovarian cancer syndrome; Hereditary breast and ovarian cancer syndrome; Breast and ovarian cancer; Hereditary breast and ovarian cancer syndrome (HBOC). Identifiers: Orphanet 145, MedGen C0677776, MeSH D061325, MONDO:0003582. Disease mechanism: loss of function.
Breast-ovarian cancer, familial, susceptibility to, 2 (BROVCA2). Also called: BRCA2 Hereditary Breast and Ovarian Cancer. Identifiers: Orphanet 145, MedGen C2675520, MONDO:0012933, OMIM 612555. Disease mechanism: loss of function.
Malignant tumor of breast. Also called: Malignant breast neoplasm; Cancer breast. Identifiers: MedGen C0006142, MONDO:0007254. Disease mechanism: loss of function.

Submissions (9):

Evidence-based Network for the Interpretation of Germline Mutant Alleles (ENIGMA)
Classification: Pathogenic for Breast-ovarian cancer, familial, susceptibility to, 2. Last evaluated: 2016-09-08. Review status: reviewed by expert panel. Criteria: ENIGMA BRCA1/2 Classification Criteria (2015). Collection method: curation. Allele origin: germline.
Comment: Variant allele predicted to encode a truncated non-functional protein.

Ambry Genetics
Classification: Pathogenic for Hereditary cancer-predisposing syndrome. Last evaluated: 2025-03-31. Review status: criteria provided, single submitter. Criteria: Ambry Variant Classification Scheme 2023. Collection method: clinical testing. Allele origin: germline. Not counted in ClinVar's aggregate classification.
Comment: The c.7234_7235insG variant, located in coding exon 13 of the BRCA2 gene, results from an insertion of one nucleotide at position 7234, causing a translational frameshift with a predicted alternate stop codon (p.T2412Sfs*2). This variant was reported in individuals with features consistent with BRCA2-related cancer predisposition (Tazzite A et al. Gynecol Oncol, 2012 Jun;125:687-92; de Juan I et al. Fam Cancer, 2015 Dec;14:505-13; Jouali F et al. Oncol Lett, 2016 Aug;12:1192-1196; Corsini C et al. Breast Cancer Res Treat, 2017 Nov;166:631-639). In the literature, this variant has been described as c.7234insG, c.7235insG, c.7462insG and c.7463insG. This variant is considered to be rare based on population cohorts in the Genome Aggregation Database (gnomAD). This alteration is expected to result in loss of function by premature protein truncation or nonsense-mediated mRNA decay. As such, this alteration is interpreted as a disease-causing mutation.

Labcorp Genetics (formerly Invitae), Labcorp
Classification: Pathogenic for Hereditary breast ovarian cancer syndrome. Last evaluated: 2024-08-08. Review status: criteria provided, single submitter. Criteria: Invitae Variant Classification Sherloc (09022015). Collection method: clinical testing. Allele origin: germline. Not counted in ClinVar's aggregate classification.
Comment: This sequence change creates a premature translational stop signal (p.Thr2412Serfs*2) in the BRCA2 gene. It is expected to result in an absent or disrupted protein product. Loss-of-function variants in BRCA2 are known to be pathogenic (PMID: 20104584). This variant is not present in population databases (gnomAD no frequency). This premature translational stop signal has been observed in individual(s) with a personal and family history of breast cancer (PMID: 22425665, 23479189, 28779219). This variant is also known as c.7235insG. ClinVar contains an entry for this variant (Variation ID: 52295). For these reasons, this variant has been classified as Pathogenic.

Blueprint Genetics
Classification: Pathogenic for BRCA2-related disorders. Last evaluated: 2024-05-07. Review status: criteria provided, single submitter. Criteria: ACMG Guidelines, 2015. Collection method: clinical testing. Allele origin: germline. Affected: yes. Observed: 1 variant allele. Not counted in ClinVar's aggregate classification.

GeneDx
Classification: Pathogenic. Last evaluated: 2023-05-18. Review status: criteria provided, single submitter. Criteria: GeneDx Variant Classification Process June 2021. Collection method: clinical testing. Allele origin: germline. Affected: yes. Not counted in ClinVar's aggregate classification.
Comment: Frameshift variant predicted to result in protein truncation or nonsense mediated decay in a gene for which loss of function is a known mechanism of disease; Not observed at significant frequency in large population cohorts (gnomAD); Observed in individuals with breast and/or ovarian cancer (Esteban Cardenosa et al., 2010; Tazzite et al., 2012; de Juan Jimenez et al., 2013; de Juan et al., 2015; Jouali et al., 2016; Elalaoui et l., 2022); Also known as 7462_7463insG or 7462insG; This variant is associated with the following publications: (PMID: 26026974, 27129401, 24019637, 23479189, 20033483, 27446417, 24606420, 25780794, 24312913, 34242281, 28779219, 32341426, 32885271, 32778078, 35578052, 35216584, 35858847, 31060517, 22425665)

Quest Diagnostics Nichols Institute San Juan Capistrano
Classification: Pathogenic. Last evaluated: 2021-07-23. Review status: criteria provided, single submitter. Criteria: Quest Diagnostics criteria. Collection method: clinical testing. Allele origin: unknown. Not counted in ClinVar's aggregate classification.
Comment: This frameshift variant causes the premature termination of BRCA2 protein synthesis. In addition, it has been reported in individuals with breast cancer in the published literature (PMID: 32885271 (2021) and 23479189 (2013)). Based on the available information, this variant is classified as pathogenic.

GeneKor MSA
Classification: Pathogenic. Last evaluated: 2020-01-01. Review status: criteria provided, single submitter. Criteria: ACMG Guidelines, 2015. Collection method: clinical testing. Allele origin: germline. Not counted in ClinVar's aggregate classification.
Comment: This sequence change inserts 1 nucleotide in exon 14 of the BRCA2 mRNA (c.7234_7235insG), causing a frameshift at codon 2412. This creates a premature translational stop signal 2 amino acid residues later (p.(Thr2412Serfs*2) and is expected to result in an absent or disrupted protein product. This variant has been described in the literature in an individual with breast and ovarian cancer (PMID: 20711702, 22425665, 23479189, 26026974, 27446417). Also, this variant has been defined as c.7462_7463insG, c.7234insG, c.7235insG, c.7462insG, or 7463insG in the literature. The mutation database ClinVar contains entries for this variant (Variation ID: 52295).

Consortium of Investigators of Modifiers of BRCA1/2 (CIMBA), c/o University of Cambridge
Classification: Pathogenic for Breast-ovarian cancer, familial, susceptibility to, 2. Last evaluated: 2015-10-02. Review status: criteria provided, single submitter. Criteria: CIMBA Mutation Classification guidelines May 2016. Collection method: clinical testing. Allele origin: germline. Not counted in ClinVar's aggregate classification.

Department of Pathology and Laboratory Medicine, Sinai Health System
Classification: Pathogenic for Malignant tumor of breast. Review status: no assertion criteria provided. Collection method: clinical testing. Allele origin: unknown. Affected: yes. Study: The Canadian Open Genetics Repository (COGR). Not counted in ClinVar's aggregate classification.
Comment: The BRCA2 p.Thr2412Serfs*2 variant was identified in 5 of 22780 proband chromosomes (frequency: 0.0002) from Moroccan and European individuals or families with breast/ovarian cancer (Tazzite 2012, Rebbeck 2018). The variant was also identified in dbSNP (ID: rs397507906) â€šÃ„ÃºWith Pathogenic alleleâ€šÃ„Ã¹, ClinVar (classified pathogenic, reviewed by an expert panel (2016); submitters: ENIGMA, CIMBA, GeneDx and GeneKor MSA), and LOVD 3.0. The variant was not identified in UMD-LSDB. The variant was not identified in the following control databases: the Exome Aggregation Consortium (August 8th 2016), or the Genome Aggregation Database (Feb 27, 2017). The c.7234_7235insG variant is predicted to cause a frameshift, which alters the protein's amino acid sequence beginning at codon 2412 and leads to a premature stop codon at position 2413. This alteration is then predicted to result in a truncated or absent protein and loss of function. Loss of function variants of the BRCA2 gene are an established mechanism of disease in hereditary breast and ovarian cancer and is the type of variant expected to cause the disorder. In summary, based on the above information this variant meets our laboratoryâ€šÃ„Ã´s criteria to be classified as pathogenic.

Literature cited by the submitters: PubMed 22425665 (cited by 3 submitters); PubMed 26026974 (cited by Ambry Genetics); PubMed 27446417 (cited by Ambry Genetics); PubMed 28779219 (cited by Ambry Genetics and Labcorp Genetics (formerly Invitae), Labcorp); PubMed 20104584 (cited by Labcorp Genetics (formerly Invitae), Labcorp); PubMed 23479189 (cited by Labcorp Genetics (formerly Invitae), Labcorp and Quest Diagnostics Nichols Institute San Juan Capistrano); PubMed 32885271 (cited by Quest Diagnostics Nichols Institute San Juan Capistrano).

NM_000059.4(BRCA2):c.7234_7235insG (p.Thr2412fs)

Gene: BRCA2 (BRCA2 DNA repair associated; plus strand). Cytogenetic location: 13q13.1.
Variant type: Insertion.
Coding change: c.7234_7235insG on transcript NM_000059.4 (MANE Select); coding-DNA positions 7234 to 7235, G inserted.
Protein change: p.Thr2412fs; shifts the reading frame from threonine 2412.
Molecular consequence: frameshift variant.
Genome position: GRCh38 VCF-style: chr13-32355087-A-AG. GRCh37 (hg19) VCF-style: chr13-32929224-A-AG.
Other names: short protein forms T2412fs.
Identifiers: ClinVar variation 52295 (VCV000052295.21), dbSNP rs397507906, ClinGen allele CA024981.